The following is an entry in ClinVar:

ClinVar aggregate classification (germline): Pathogenic (3 of 4 stars; one submission).

Conditions:
Monogenic diabetes. Identifiers: Orphanet 183625, MedGen C3888631, MONDO:0015967.

Submission:

ClinGen Monogenic Diabetes Variant Curation Expert Panel
Classification: Pathogenic for Monogenic diabetes. Last evaluated: 2022-04-12. Review status: reviewed by expert panel. Criteria: ClinGen Diabetes ACMG Specifications v1 1. Collection method: curation. Allele origin: germline. Inheritance: Autosomal dominant inheritance.
Comment: The c.686G>C variant in the HNF1 homeobox A gene, HNF1A, causes an amino acid change of arginine to proline at codon 229 (p.Arg229Pro) of NM_000545.8. This variant segregated with diabetes, with 14 informative meioses in 2 families with MODY (PP1_Strong; internal lab contributors). Also, this variant is located within a conserved region of the DNA binding domain (codons 107-174 and 201-280) of HNF1A, which is defined as critical for the protein’s function by the ClinGen MDEP (PM1_Supporting). This variant is absent from gnomAD v2.1.1 (PM2_Supporting). This variant was also identified in 6 individuals with a clinical history highly specific for HNF1A-MODY (MODY probability calculator result >50%, positive C-peptide, and 2 were antibody negative) (PP4_Moderate; internal lab contributors). Another missense variant, c.686G>A p.Arg229Gln has been interpreted as pathogenic by the ClinGen MDEP and p.Arg229Pro has an equal or greater Grantham distance (PM5). Additionally, this variant is predicted to be deleterious by computational evidence, with a REVEL score of 0.973, which is greater than the MDEP VCEP threshold of 0.70 (PP3). This variant was identified in at least 4 unrelated individuals with non- autoimmune and non-absolute/near-absolute insulin-deficient diabetes (PS4_Moderate; PMID: 15928245, internal lab contributors). In summary, c.686G>C meets the criteria to be classified as pathogenic for monogenic diabetes. ACMG/AMP criteria applied, as specified by the ClinGen MDEP (specification version 1.1, approved 9/30/2021): PP1_Strong, PM1_Supporting, PM2_Supporting, PP4_Moderate, PM5, PP3, PS4_Moderate.

NM_000545.8(HNF1A):c.686G>C (p.Arg229Pro)

Gene: HNF1A (HNF1 homeobox A; plus strand). Cytogenetic location: 12q24.31.
Variant type: single nucleotide variant.
Coding change: c.686G>C on transcript NM_000545.8 (MANE Select); coding-DNA position 686, G replaced by C.
Protein change: p.Arg229Pro; replaces arginine 229 with proline.
Molecular consequence: missense variant.
Genome position (GRCh38, 1-based): chr12:120,993,679, G>C. VCF-style: chr12-120993679-G-C. GRCh37 (hg19) VCF-style: chr12-121431482-G-C.
Other names: NM_001306179.1:c.686G>C; c.686G>C, p.Arg229Pro (NM_001306179.2); short protein forms R229P.
Identifiers: ClinVar variation 1676708 (VCV001676708.3), dbSNP rs1057520779, ClinGen allele CA386965177.
Genomic context (GRCh38, chr12:120,993,679, plus strand): 5'-CATCCCAGCAGATCCTGTTCCAGGCCTATGAGAGGCAGAAGAACCCTAGCAAGGAGGAGC[G>C]AGAGACGCTAGTGGAGGAGTGCAATAGGTACAACGGCGGGCGGGAAACAGTGCTGGTTTG-3'
Protein context (NP_000536.6, residues 219-239): ERQKNPSKEE[Arg229Pro]ETLVEECNRA